The following is an entry in ClinVar:

ClinVar aggregate classification (germline): Benign (1 of 4 stars; one submission).

Allele frequency attached by ClinVar (database versions not stated): 1000 Genomes Project 0.31969; 1000 Genomes Project 30x 0.32745; TOPMed 0.42600; gnomAD 0.43321.
gnomAD v4.1: 65,393 of 151,938 alleles (43%); highest among the groups gnomAD compares: Non-Finnish European, 47%; 14,533 homozygotes.

Submission:

GeneDx
Classification: Benign. Last evaluated: 2018-06-19. Review status: criteria provided, single submitter. Criteria: GeneDx Variant Classification (06012015). Collection method: clinical testing. Allele origin: germline. Affected: yes.
Comment: This variant is considered likely benign or benign based on one or more of the following criteria: it is a conservative change, it occurs at a poorly conserved position in the protein, it is predicted to be benign by multiple in silico algorithms, and/or has population frequency not consistent with disease.

NM_025265.4(TSEN2):c.1338+178A>G

Gene: TSEN2 (tRNA splicing endonuclease subunit 2; plus strand). Cytogenetic location: 3p25.2.
Variant type: single nucleotide variant.
Coding change: c.1338+178A>G on transcript NM_025265.4 (MANE Select); 178 bases into the intron after coding-DNA position 1338, A replaced by G.
Molecular consequence: intron variant.
Genome position (GRCh38, 1-based): chr3:12,531,837, A>G. VCF-style: chr3-12531837-A-G. GRCh37 (hg19) VCF-style: chr3-12573336-A-G.
Other names: c.1338+178A>G (NM_001321278.2, NM_001145392.2, NM_001321277.2); c.1260+178A>G (NM_001321279.2, NM_001145393.3); c.1161+178A>G (NM_001145394.2).
Identifiers: ClinVar variation 670254 (VCV000670254.1), dbSNP rs299641, ClinGen allele CA11588282.
Genomic context (GRCh38, chr3:12,531,837, plus strand): 5'-CTCAGGCAGGCTCTTAAGTCTCTCACCTTTTCCCCATTGAACCCATTGGACACGAAATCT[A>G]TGCTGACTTCCTCTATTCCTTAATTCCCCACTTTATTACCTGTGATGTCCCCATCACTCA-3'